The following is an entry in ClinVar:

ClinVar aggregate classification (germline): Uncertain significance. Review status: criteria provided, multiple submitters, no conflicts (2 of 4 stars). 3 submissions from 3 submitters: Uncertain significance (3). Last evaluated 2026-01-04.

Conditions:
Hereditary cancer-predisposing syndrome. Also called: Tumor predisposition; Hereditary neoplastic syndrome; Hereditary Cancer Syndrome; Neoplastic Syndromes, Hereditary. Identifiers: Orphanet 140162, MedGen C0027672, MeSH D009386, MONDO:0015356.

gnomAD v4.1: 1 of 1,613,316 alleles (0.000062%); highest among the groups gnomAD compares: Admixed American, 0.0017%; no homozygotes.

Submissions (3):

Labcorp Genetics (formerly Invitae), Labcorp
Classification: Uncertain significance. Last evaluated: 2026-01-04. Review status: criteria provided, single submitter. Criteria: Invitae Variant Classification Sherloc (09022015). Collection method: clinical testing. Allele origin: germline.
Comment: This sequence change replaces arginine, which is basic and polar, with serine, which is neutral and polar, at codon 863 of the MSH3 protein (p.Arg863Ser). The frequency data for this variant in the population databases is considered unreliable, as metrics indicate poor data quality at this position in the gnomAD database. This variant has not been reported in the literature in individuals affected with MSH3-related conditions. ClinVar contains an entry for this variant (Variation ID: 961554). An algorithm developed to predict the effect of missense changes on protein structure and function (PolyPhen-2) suggests that this variant is likely to be disruptive. In summary, the available evidence is currently insufficient to determine the role of this variant in disease. Therefore, it has been classified as a Variant of Uncertain Significance.

Quest Diagnostics Nichols Institute San Juan Capistrano
Classification: Uncertain significance. Last evaluated: 2025-07-29. Review status: criteria provided, single submitter. Criteria: Quest Diagnostics criteria. Collection method: clinical testing. Allele origin: unknown.
Comment: The MSH3 c.2589G>C (p.Arg863Ser) variant has not been reported in individuals with MSH3-related conditions in the published literature. The frequency of this variant in the general population (Genome Aggregation Database) is uninformative in the assessment of its pathogenicity. Analysis of this variant using bioinformatics tools for the prediction of the effect of amino acid changes on protein structure and function yielded predictions that this variant is damaging. Based on the available information, we are unable to determine the clinical significance of this variant.

Ambry Genetics
Classification: Uncertain significance for Hereditary cancer-predisposing syndrome. Last evaluated: 2024-11-23. Review status: criteria provided, single submitter. Criteria: Ambry Variant Classification Scheme 2023. Collection method: clinical testing. Allele origin: germline.
Comment: The p.R863S variant (also known as c.2589G>C), located in coding exon 19 of the MSH3 gene, results from a G to C substitution at nucleotide position 2589. The arginine at codon 863 is replaced by serine, an amino acid with dissimilar properties. This amino acid position is conserved. In addition, this alteration is predicted to be deleterious by in silico analysis. Since supporting evidence is limited at this time, the clinical significance of this alteration remains unclear.

NM_002439.5(MSH3):c.2589G>C (p.Arg863Ser)

Gene: MSH3 (mutS homolog 3; plus strand). Cytogenetic location: 5q14.1.
Variant type: single nucleotide variant.
Coding change: c.2589G>C on transcript NM_002439.5 (MANE Select); coding-DNA position 2589, G replaced by C.
Protein change: p.Arg863Ser; replaces arginine 863 with serine.
Molecular consequence: missense variant.
Genome position (GRCh38, 1-based): chr5:80,792,778, G>C. VCF-style: chr5-80792778-G-C. GRCh37 (hg19) VCF-style: chr5-80088597-G-C.
Other names: short protein forms R863S.
Identifiers: ClinVar variation 961554 (VCV000961554.14), dbSNP rs780827591, ClinGen allele CA3328298.
Genomic context (GRCh38, chr5:80,792,778, plus strand): 5'-ATTTCTTTTTTGCAGACCAACTGTACAAGAAGAAAGAAAAATTGTAATAAAAAATGGAAG[G>C]CACCCTGTGATTGATGTGTTGCTGGGAGAACAGGATCAATATGTCCCAAATAATACAGAT-3'
Protein context (NP_002430.3, residues 853-873): EERKIVIKNG[Arg863Ser]HPVIDVLLGE